The following is an entry in ClinVar:

NM_001972.4(ELANE):c.727G>T (p.Asp243Tyr)

Gene: ELANE (elastase, neutrophil expressed; plus strand). Cytogenetic location: 19p13.3.
Variant type: single nucleotide variant.
Coding change: c.727G>T on transcript NM_001972.4 (MANE Select); coding-DNA position 727, G replaced by T.
Protein change: p.Asp243Tyr; replaces aspartic acid 243 with tyrosine.
Molecular consequence: missense variant.
Genome position (GRCh38, 1-based): chr19:856,087, G>T. VCF-style: chr19-856087-G-T. GRCh37 (hg19) VCF-style: chr19-856087-G-T.
Other names: c.727G>T (LRG_57t1); short protein forms D243Y.
Identifiers: ClinVar variation 647853 (VCV000647853.6), dbSNP rs752022665, ClinGen allele CA9026150.
Genomic context (GRCh38, chr19:856,087, plus strand): 5'-TGCGCCTCAGGGCTCTACCCCGATGCCTTTGCCCCGGTGGCACAGTTTGTAAACTGGATC[G>T]ACTCTATCATCCAACGCTCCGAGGACAACCCCTGTCCCCACCCCCGGGACCCGGACCCGG-3'
Protein context (NP_001963.1, residues 233-253): APVAQFVNWI[Asp243Tyr]SIIQRSEDNP

ClinVar aggregate classification (germline): Uncertain significance (1 of 4 stars; one submission).

Conditions:
Neutropenia, severe congenital, 1, autosomal dominant. Identifiers: MedGen C1859966, MONDO:0042490, OMIM 202700.
Cyclical neutropenia. Also called: Cyclic hematopoiesis; Cyclic Neutropenia. Identifiers: Orphanet 2686, MedGen C0221023, MONDO:0008090, OMIM 162800, HP:0040289. Disease mechanism: loss of function.

Allele frequency attached by ClinVar (database versions not stated): gnomAD exomes 0.00001; TOPMed 0.00001; ExAC 0.00002.
gnomAD v4.1: 7 of 1,613,324 alleles (0.00043%); highest among the groups gnomAD compares: Admixed American, 0.005%; no homozygotes.

Submission:

Labcorp Genetics (formerly Invitae), Labcorp
Classification: Uncertain significance for Neutropenia, severe congenital, 1, autosomal dominant; Cyclical neutropenia. Last evaluated: 2023-10-23. Review status: criteria provided, single submitter. Criteria: Invitae Variant Classification Sherloc (09022015). Collection method: clinical testing. Allele origin: germline.
Comment: This sequence change replaces aspartic acid, which is acidic and polar, with tyrosine, which is neutral and polar, at codon 243 of the ELANE protein (p.Asp243Tyr). This variant is present in population databases (rs752022665, gnomAD 0.006%). This variant has not been reported in the literature in individuals affected with ELANE-related conditions. ClinVar contains an entry for this variant (Variation ID: 647853). Advanced modeling of protein sequence and biophysical properties (such as structural, functional, and spatial information, amino acid conservation, physicochemical variation, residue mobility, and thermodynamic stability) performed at Invitae indicates that this missense variant is not expected to disrupt ELANE protein function with a negative predictive value of 80%. In summary, the available evidence is currently insufficient to determine the role of this variant in disease. Therefore, it has been classified as a Variant of Uncertain Significance.